The following is an entry in ClinVar:

ClinVar aggregate classification (germline): Conflicting classifications of pathogenicity. Review status: criteria provided, conflicting classifications (1 of 4 stars). 8 submissions from 8 submitters: Uncertain significance (6); Likely benign (1). 1 of the submissions does not count toward it. Last evaluated 2025-04-02.

Conditions:
Alstrom syndrome (ALMS). Identifiers: Orphanet 64, MedGen C0268425, MONDO:0008763, OMIM 203800.
Cardiovascular phenotype. Identifiers: MedGen CN230736.

Allele frequency attached by ClinVar (database versions not stated): ExAC 0.00003; gnomAD 0.00003 and 0.00004; gnomAD exomes 0.00003 and 0.00004; TOPMed 0.00005.
gnomAD v4.1: 49 of 1,613,962 alleles (0.003%); highest among the groups gnomAD compares: Middle Eastern, 0.033%; no homozygotes.

Submissions (8):

Ambry Genetics
Classification: Likely benign for Cardiovascular phenotype. Last evaluated: 2025-04-02. Review status: criteria provided, single submitter. Criteria: Ambry Variant Classification Scheme 2023. Collection method: clinical testing. Allele origin: germline.

Labcorp Genetics (formerly Invitae), Labcorp
Classification: Uncertain significance for Alstrom syndrome. Last evaluated: 2024-08-13. Review status: criteria provided, single submitter. Criteria: Invitae Variant Classification Sherloc (09022015). Collection method: clinical testing. Allele origin: germline.
Comment: This sequence change replaces arginine, which is basic and polar, with glutamine, which is neutral and polar, at codon 2928 of the ALMS1 protein (p.Arg2928Gln). This variant is present in population databases (rs778162209, gnomAD 0.02%). This variant has not been reported in the literature in individuals affected with ALMS1-related conditions. ClinVar contains an entry for this variant (Variation ID: 656526). An algorithm developed to predict the effect of missense changes on protein structure and function outputs the following: PolyPhen-2: "Not Available". The glutamine amino acid residue is found in multiple mammalian species, which suggests that this missense change does not adversely affect protein function. In summary, the available evidence is currently insufficient to determine the role of this variant in disease. Therefore, it has been classified as a Variant of Uncertain Significance.

Blueprint Genetics
Classification: Uncertain significance. Last evaluated: 2024-02-28. Review status: criteria provided, single submitter. Criteria: ACMG Guidelines, 2015. Collection method: clinical testing. Allele origin: germline.

Fulgent Genetics
Classification: Uncertain significance for Alstrom syndrome. Last evaluated: 2022-05-12. Review status: criteria provided, single submitter. Criteria: ACMG Guidelines, 2015. Collection method: clinical testing. Allele origin: unknown.

Women's Health and Genetics/Laboratory Corporation of America, LabCorp
Classification: Uncertain significance. Last evaluated: 2020-04-20. Review status: criteria provided, single submitter. Criteria: LabCorp Variant Classification Summary - May 2015. Collection method: clinical testing. Allele origin: germline.
Comment: Variant summary: ALMS1 c.8777G>A (p.Arg2926Gln) results in a conservative amino acid change in the encoded protein sequence. Five of five in-silico tools predict a benign effect of the variant on protein function. The variant allele was found at a frequency of 3.6e-05 in 249532 control chromosomes, predominantly at a frequency of 0.0002 within the South Asian subpopulation in the gnomAD database. The available data on variant occurrences in the general population are insufficient to allow any conclusion about variant significance. To our knowledge, no occurrence of c.8777G>A in individuals affected with Cardiomyopathy and no experimental evidence demonstrating its impact on protein function have been reported. One clinical diagnostic laboratory has submitted clinical-significance assessments for this variant to ClinVar after 2014 without evidence for independent evaluation and cited the variant as uncertain significance. Based on the evidence outlined above, the variant was classified as uncertain significance.

Genetic Services Laboratory, University of Chicago
Classification: Uncertain significance. Last evaluated: 2020-03-19. Review status: criteria provided, single submitter. Criteria: ACMG Guidelines, 2015. Collection method: clinical testing. Allele origin: germline. Affected: no.
Comment: DNA sequence analysis of the ALMS1 gene demonstrated a sequence change, c.8783G>A, in exon 10 that results in an amino acid change, p.Arg2928Gln. This sequence change does not appear to have been previously described in patients with ALMS1-related disorders and has been described in the gnomAD database with an overall low population frequency of 0.0036% (dbSNP rs778162209). The p.Arg2928Gln change affects a moderately conserved amino acid residue located in a domain of the ALMS1 protein that is not known to be functional. The p.Arg2928Gln substitution appears to be benign using several in-silico pathogenicity prediction tools (SIFT, PolyPhen2, Align GVGD, REVEL). Due to these contrasting evidences and the lack of functional studies, the clinical significance of the p.Arg2928Gln change remains unknown at this time.

GeneDx
Classification: Uncertain significance. Last evaluated: 2019-10-07. Review status: criteria provided, single submitter. Criteria: GeneDx Variant Classification Process June 2021. Collection method: clinical testing. Allele origin: germline. Affected: yes.
Comment: Not observed at a significant frequency in large population cohorts (Lek et al., 2016); In silico analysis, which includes protein predictors and evolutionary conservation, supports that this variant does not alter protein structure/function; Has not been previously published as pathogenic or benign to our knowledge

Natera, Inc.
Classification: Uncertain significance for Alstrom syndrome. Last evaluated: 2020-09-16. Review status: no assertion criteria provided. Collection method: clinical testing. Allele origin: germline. Not counted in ClinVar's aggregate classification.

NM_001378454.1(ALMS1):c.8780G>A (p.Arg2927Gln)

Gene: ALMS1 (ALMS1 centrosome and basal body associated protein; plus strand). Cytogenetic location: 2p13.1.
Variant type: single nucleotide variant.
Coding change: c.8780G>A on transcript NM_001378454.1 (MANE Select); coding-DNA position 8780, G replaced by A.
Protein change: p.Arg2927Gln; replaces arginine 2927 with glutamine.
Molecular consequence: missense variant.
Genome position (GRCh38, 1-based): chr2:73,490,739, G>A. VCF-style: chr2-73490739-G-A. GRCh37 (hg19) VCF-style: chr2-73717866-G-A.
Other names: c.8783G>A, p.Arg2928Gln (NM_015120.4); short protein forms R2928Q, R2927Q.
Identifiers: ClinVar variation 656526 (VCV000656526.17), dbSNP rs778162209, ClinGen allele CA1714542.
Genomic context (GRCh38, chr2:73,490,739, plus strand): 5'-CTCCTCAACATCAGGATTATGTAGCTCCAGACCTTCCTTCTTGCATTTTTCTTGAACAAC[G>A]AGAACTCTTTGAACAGTGCAAAGCCCCATATGTAGATCATCAAATGAGAGAAAACCATTC-3'
Protein context (NP_001365383.1, residues 2917-2937): DLPSCIFLEQ[Arg2927Gln]ELFEQCKAPY